The following is an entry in ClinVar:

ClinVar aggregate classification (germline): Uncertain significance (1 of 4 stars; one submission).

Conditions:
Rhabdoid tumor predisposition syndrome 2 (RTPS2). Identifiers: Orphanet 231108, Orphanet 69077, MedGen C2750074, MONDO:0013224, OMIM 613325.

Submission:

Labcorp Genetics (formerly Invitae), Labcorp
Classification: Uncertain significance for Rhabdoid tumor predisposition syndrome 2. Last evaluated: 2023-10-23. Review status: criteria provided, single submitter. Criteria: Invitae Variant Classification Sherloc (09022015). Collection method: clinical testing. Allele origin: germline.
Comment: This variant results in a copy number gain of the genomic region encompassing exon(s) 2-31 of the SMARCA4 gene. This region includes the initiator codon of the gene. This copy number gain extends beyond the assayed region for this gene and therefore may encompass additional genes. As the precise location of this event is unknown, it may be in tandem or it may be located elsewhere in the genome. This variant has not been reported in the literature in individuals affected with SMARCA4-related conditions. Experimental studies and prediction algorithms are not available or were not evaluated, and the functional significance of this variant is currently unknown. In summary, the available evidence is currently insufficient to determine the role of this variant in disease. Therefore, it has been classified as a Variant of Uncertain Significance.

NC_000019.9:g.(?_11094828)_(11152246_?)dup

Gene: SMARCA4 (SWI/SNF related BAF chromatin remodeling complex subunit ATPase 4; plus strand). Cytogenetic location: 19p13.2.
Variant type: Duplication.
Identifiers: ClinVar variation 1410202 (VCV001410202.5).